The following is an entry in ClinVar:

NM_000326.5(RLBP1):c.647G>A (p.Arg216Gln)

Gene: RLBP1 (retinaldehyde binding protein 1; minus strand). Cytogenetic location: 15q26.1.
Variant type: single nucleotide variant.
Coding change: c.647G>A on transcript NM_000326.5 (MANE Select); coding-DNA position 647, G replaced by A.
Protein change: p.Arg216Gln; replaces arginine 216 with glutamine.
Molecular consequence: missense variant.
Genome position (GRCh38, 1-based): chr15:89,211,780, C>T on the plus strand (G>A on the coding strand, the complement: RLBP1 is on the minus strand). VCF-style: chr15-89211780-C-T. GRCh37 (hg19) VCF-style: chr15-89755011-C-T.
Other names: short protein forms R216Q.
Identifiers: ClinVar variation 317237 (VCV000317237.11), dbSNP rs200488706, ClinGen allele CA7722230.
Genomic context (GRCh38, chr15:89,211,780, plus strand): 5'-TGCGACAGAACTCTAAGCCTCACCTGGAGCATGTCCACCATCTTCCTGAGATCTGAAGTC[C>T]GGAGACTAGCAGCCTGCTGCATGGTAAAGCCCTTGAAGTTCTCAATGATGCAGAAGCCAT-3'
Protein context (NP_000317.1, residues 206-226): GFTMQQAASL[Arg216Gln]TSDLRKMVDM

ClinVar aggregate classification (germline): Uncertain significance. Review status: criteria provided, multiple submitters, no conflicts (2 of 4 stars). 6 submissions from 4 submitters: Uncertain significance (6). Last evaluated 2024-07-23.

Conditions:
Retinitis pigmentosa (RP). Identifiers: Orphanet 791, MedGen C0035334, MeSH D012174, MONDO:0019200, OMIM 268000. Inheritance: Autosomal dominant, autosomal recessive and X linked inheritance.
Pigmentary retinal dystrophy. Also called: Fundus albipunctatus. Identifiers: Orphanet 227796, Orphanet 52427, MedGen C0311338, MONDO:0007639, OMIM 136880, HP:0030642.
Newfoundland cone-rod dystrophy. Identifiers: MedGen C1843815, MONDO:0011839, OMIM 607476.
Bothnia retinal dystrophy. Also called: VASTERBOTTEN DYSTROPHY. Identifiers: Orphanet 85128, MedGen C1843816, MONDO:0011838, OMIM 607475.

Allele frequency attached by ClinVar (database versions not stated): ExAC 0.00004; gnomAD exomes 0.00007; ESP Exome Variant Server 0.00008; TOPMed 0.00013; gnomAD 0.00015 and 0.00019; 1000 Genomes Project 30x 0.00016; 1000 Genomes Project 0.00020.

Submissions (6):

Blueprint Genetics
Classification: Uncertain significance. Last evaluated: 2024-07-23. Review status: criteria provided, single submitter. Criteria: ACMG Guidelines, 2015. Collection method: clinical testing. Allele origin: germline.

Labcorp Genetics (formerly Invitae), Labcorp
Classification: Uncertain significance. Last evaluated: 2022-08-09. Review status: criteria provided, single submitter. Criteria: Invitae Variant Classification Sherloc (09022015). Collection method: clinical testing. Allele origin: germline.
Comment: This sequence change replaces arginine, which is basic and polar, with glutamine, which is neutral and polar, at codon 216 of the RLBP1 protein (p.Arg216Gln). This variant is present in population databases (rs200488706, gnomAD 0.01%). This variant has not been reported in the literature in individuals affected with RLBP1-related conditions. ClinVar contains an entry for this variant (Variation ID: 317237). Algorithms developed to predict the effect of missense changes on protein structure and function (SIFT, PolyPhen-2, Align-GVGD) all suggest that this variant is likely to be tolerated. In summary, the available evidence is currently insufficient to determine the role of this variant in disease. Therefore, it has been classified as a Variant of Uncertain Significance.

Fulgent Genetics
Classification: Uncertain significance for Pigmentary retinal dystrophy; Bothnia retinal dystrophy; Newfoundland cone-rod dystrophy. Last evaluated: 2021-10-19. Review status: criteria provided, single submitter. Criteria: ACMG Guidelines, 2015. Collection method: clinical testing. Allele origin: unknown.

Illumina Laboratory Services, Illumina
Classification: Uncertain significance for Pigmentary retinal dystrophy. Last evaluated: 2018-01-13. Review status: criteria provided, single submitter. Criteria: ICSL Variant Classification Criteria 13 December 2019. Collection method: clinical testing. Allele origin: germline.

Illumina Laboratory Services, Illumina
Classification: Uncertain significance for Newfoundland cone-rod dystrophy. Last evaluated: 2018-01-13. Review status: criteria provided, single submitter. Criteria: ICSL Variant Classification Criteria 13 December 2019. Collection method: clinical testing. Allele origin: germline.

Illumina Laboratory Services, Illumina
Classification: Uncertain significance for Retinitis pigmentosa. Last evaluated: 2018-01-13. Review status: criteria provided, single submitter. Criteria: ICSL Variant Classification Criteria 13 December 2019. Collection method: clinical testing. Allele origin: germline.